The following is an entry in ClinVar:

ClinVar aggregate classification (germline): Likely benign (1 of 4 stars; one submission).

Allele frequency attached by ClinVar (database versions not stated): gnomAD exomes 0.00038; 1000 Genomes Project 0.00040; gnomAD 0.00044; ESP Exome Variant Server 0.00046; 1000 Genomes Project 30x 0.00047; TOPMed 0.00059; ExAC 0.00063.
gnomAD v4.1: 649 of 1,613,830 alleles (0.04%); highest among the groups gnomAD compares: Admixed American, 0.12%; 1 homozygote.

Submission:

CeGaT Center for Human Genetics Tuebingen
Classification: Likely benign. Last evaluated: 2024-01-01. Review status: criteria provided, single submitter. Criteria: CeGaT Center For Human Genetics Tuebingen Variant Classification Criteria Version 2. Collection method: clinical testing. Allele origin: germline. Affected: yes. Observed: 1 variant allele.
Comment: CLCA2: BP4

NM_006536.7(CLCA2):c.2089A>G (p.Ile697Val)

Gene: CLCA2 (chloride channel accessory 2; plus strand). Cytogenetic location: 1p22.3.
Variant type: single nucleotide variant.
Coding change: c.2089A>G on transcript NM_006536.7 (MANE Select); coding-DNA position 2089, A replaced by G.
Protein change: p.Ile697Val; replaces isoleucine 697 with valine.
Molecular consequence: missense variant.
Genome position (GRCh38, 1-based): chr1:86,450,667, A>G. VCF-style: chr1-86450667-A-G. GRCh37 (hg19) VCF-style: chr1-86916350-A-G.
Other names: short protein forms I697V.
Identifiers: ClinVar variation 3025151 (VCV003025151.22), dbSNP rs147843048, ClinGen allele CA934229.